The following is an entry in ClinVar:

NM_003922.4(HERC1):c.13683_13684dup (p.Asp4562fs)

Gene: HERC1 (HECT and RLD domain containing E3 ubiquitin protein ligase family member 1; minus strand). Cytogenetic location: 15q22.31.
Variant type: Duplication.
Coding change: c.13683_13684dup on transcript NM_003922.4 (MANE Select); coding-DNA positions 13683 to 13684, 2 bases duplicated (GG; older notation c.13683_13684dupGG).
Protein change: p.Asp4562fs; shifts the reading frame from aspartic acid 4562.
Molecular consequence: frameshift variant.
Genome position (GRCh38, 1-based): chr15:63,622,819-63,622,820, CC duplicated on the plus strand (GG on the coding strand, the reverse complement: HERC1 is on the minus strand); duplicating any 2 consecutive bases within chr15:63,622,819-63,622,821 gives the same sequence; the c. name uses the placement nearest the transcript's 3' end. VCF-style (leftmost placement, unchanged base first): chr15-63622818-T-TCC. GRCh37 (hg19) VCF-style: chr15-63915017-T-TCC.
Other names: short protein forms D4562fs.
Identifiers: ClinVar variation 2749164 (VCV002749164.3), dbSNP rs2550904760, ClinGen allele CA2697549127.

ClinVar aggregate classification (germline): Pathogenic (1 of 4 stars; one submission).

Submission:

Labcorp Genetics (formerly Invitae), Labcorp
Classification: Pathogenic. Last evaluated: 2023-07-20. Review status: criteria provided, single submitter. Criteria: Invitae Variant Classification Sherloc (09022015). Collection method: clinical testing. Allele origin: germline.
Comment: This sequence change creates a premature translational stop signal (p.Asp4562Glyfs*16) in the HERC1 gene. It is expected to result in an absent or disrupted protein product. Loss-of-function variants in HERC1 are known to be pathogenic (PMID: 26138117, 26153217, 27108999). This variant is not present in population databases (gnomAD no frequency). This variant has not been reported in the literature in individuals affected with HERC1-related conditions. For these reasons, this variant has been classified as Pathogenic.

Literature cited by the submitters: PubMed 26138117; PubMed 26153217; PubMed 27108999.